The following is an entry in ClinVar:

NM_015910.7(WDPCP):c.1499A>G (p.Glu500Gly)

Gene: WDPCP (WD repeat containing planar cell polarity effector; minus strand). Cytogenetic location: 2p15.
Variant type: single nucleotide variant.
Coding change: c.1499A>G on transcript NM_015910.7 (MANE Select); coding-DNA position 1499, A replaced by G.
Protein change: p.Glu500Gly; replaces glutamic acid 500 with glycine.
Molecular consequence: missense variant. On other transcripts: non-coding transcript variant (3).
Genome position (GRCh38, 1-based): chr2:63,382,031, T>C on the plus strand (A>G on the coding strand, the complement: WDPCP is on the minus strand). VCF-style: chr2-63382031-T-C. GRCh37 (hg19) VCF-style: chr2-63609166-T-C.
Other names: c.1499A>G (NM_015910.5); c.1022A>G, p.Glu341Gly (NM_001042692.3); c.1427A>G, p.Glu476Gly (NM_001354044.2); c.1499A>G, p.Glu500Gly (NM_001354045.2); short protein forms E500G, E341G, E476G.
Identifiers: ClinVar variation 3586814 (VCV003586814.2).

ClinVar aggregate classification (germline): Uncertain significance. Review status: criteria provided, multiple submitters, no conflicts (2 of 4 stars). 2 submissions from 2 submitters: Uncertain significance (2). Last evaluated 2025-08-29.

Conditions:
Bardet-Biedl syndrome 15 (BBS15). Identifiers: Orphanet 110, MedGen C3150127, MONDO:0014443, OMIM 615992.
Heart defect - tongue hamartoma - polysyndactyly syndrome. Also called: Congenital heart defects, hamartomas of tongue, and polysyndactyly. Identifiers: Orphanet 1338, MedGen C1857587, MONDO:0009008, OMIM 217085.
WDPCP-related disorder. Also called: WDPCP-related condition.

Submissions (2):

PreventionGenetics, part of Exact Sciences
Classification: Uncertain significance for WDPCP-related condition. Last evaluated: 2025-08-29. Review status: criteria provided, single submitter. Criteria: ACMG Guidelines, 2015. Collection method: clinical testing. Allele origin: germline.
Comment: The WDPCP c.1499A>G variant is predicted to result in the amino acid substitution p.Glu500Gly. To our knowledge, this variant has not been reported in the literature or in a large population database (gnomAD), indicating this variant is rare. At this time, the clinical significance of this variant is uncertain due to the absence of conclusive functional and genetic evidence.

Fulgent Genetics
Classification: Uncertain significance for Heart defect - tongue hamartoma - polysyndactyly syndrome; Bardet-Biedl syndrome 15. Last evaluated: 2024-06-17. Review status: criteria provided, single submitter. Criteria: ACMG Guidelines, 2015. Collection method: clinical testing. Allele origin: germline.